The following is an entry in ClinVar:

ClinVar aggregate classification (germline): Uncertain significance (1 of 4 stars; one submission).

Conditions:
Multicentric osteolysis, nodulosis, and arthropathy (MONA). Also called: TORG SYNDROME; AL-AQEEL SEWAIRI SYNDROME; OSTEOLYSIS, HEREDITARY MULTICENTRIC; NAO SYNDROME; Torg-Winchester syndrome. Identifiers: MedGen CN322832, MONDO:0009809, OMIM 259600.

Allele frequency attached by ClinVar (database versions not stated): TOPMed below 0.00001; gnomAD 0.00001; gnomAD exomes 0.00001; ExAC 0.00002.

Submission:

Neuberg Centre For Genomic Medicine, NCGM
Classification: Uncertain significance for Multicentric osteolysis, nodulosis, and arthropathy. Review status: criteria provided, single submitter. Criteria: ACMG Guidelines, 2015. Collection method: clinical testing. Allele origin: germline. Inheritance: Autosomal recessive inheritance. Affected: yes.
Comment: The missense c.488A>G p.His163Arg variant in MMP2 gene has not been reported previously as a pathogenic variant nor as a benign variant, to our knowledge. The p.His163Arg variant is reported with an allele frequency of 0.001% in the gnomAD exomes database and is novel not in any individuals in 1000 Genomes database. This variant has not been reported to the ClinVar database. The amino acid change p.His163Arg in MMP2 is predicted as conserved by GERP++ and PhyloP across 100 vertebrates. The amino acid His at position 163 is changed to a Arg changing protein sequence and it might alter its composition and physico-chemical properties. For these reasons, this variant is classified as a Variant of Uncertain Significance VUS.

NM_004530.6(MMP2):c.488A>G (p.His163Arg)

Gene: MMP2 (matrix metallopeptidase 2; plus strand). Cytogenetic location: 16q12.2.
Variant type: single nucleotide variant.
Coding change: c.488A>G on transcript NM_004530.6 (MANE Select); coding-DNA position 488, A replaced by G.
Protein change: p.His163Arg; replaces histidine 163 with arginine.
Molecular consequence: missense variant.
Genome position (GRCh38, 1-based): chr16:55,484,123, A>G. VCF-style: chr16-55484123-A-G. GRCh37 (hg19) VCF-style: chr16-55518035-A-G.
Other names: c.338A>G, p.His113Arg (NM_001127891.3); c.260A>G, p.His87Arg (NM_001302508.1, NM_001302509.2, NM_001302510.2); short protein forms H113R, H163R, H87R.
Identifiers: ClinVar variation 3234889 (VCV003234889.1), dbSNP rs761086199, ClinGen allele CA8060100.